The following is an entry in ClinVar:

NM_000180.4(GUCY2D):c.571dup (p.Gln191fs)

Gene: GUCY2D (guanylate cyclase 2D, retinal; plus strand). Cytogenetic location: 17p13.1.
Variant type: Duplication.
Coding change: c.571dup on transcript NM_000180.4 (MANE Select); coding-DNA position 571, one base duplicated (C; older notation c.571dupC).
Protein change: p.Gln191fs; shifts the reading frame from glutamine 191.
Molecular consequence: frameshift variant.
Genome position (GRCh38, 1-based): chr17:8,003,618, C duplicated; the last of 6 consecutive C bases (chr17:8,003,613-8,003,618); duplicating any one gives the same sequence. VCF-style (leftmost placement, unchanged base first): chr17-8003612-G-GC. GRCh37 (hg19) VCF-style: chr17-7906930-G-GC.
Other names: short protein forms Q191fs.
Identifiers: ClinVar variation 1878597 (VCV001878597.4), dbSNP rs1555634640, ClinGen allele CA624867833.

ClinVar aggregate classification (germline): Likely pathogenic (1 of 4 stars; one submission).

Conditions:
Leber congenital amaurosis 1 (LCA1). Also called: RETINAL BLINDNESS, CONGENITAL; Congenital absence of the rods and cones; Leber's congenital tapetoretinal degeneration; Leber's congenital tapetoretinal dysplasia; AMAUROSIS CONGENITA OF LEBER I. Identifiers: Orphanet 65, MedGen C2931258, MONDO:0008764, OMIM 204000.

Submission:

Neuberg Centre For Genomic Medicine, NCGM
Classification: Likely pathogenic for Leber congenital amaurosis 1. Last evaluated: 2023-06-02. Review status: criteria provided, single submitter. Criteria: ACMG Guidelines, 2015. Collection method: clinical testing. Allele origin: germline. Inheritance: Autosomal recessive inheritance. Affected: yes.
Comment: The observed frameshift c.571dup (p.Gln191ProfsTer128) variant in GUCY2D gene has not been reported previously as a pathogenic variant nor as a benign variant, to our knowledge. The p.Gln191ProfsTer128 variant is present with allele frequency of 0.0009% in gnomAD Exomes. This variant has been submitted to the ClinVar database as Likely Pathogenic. This variant causes a frameshift starting with codon Glutamine 191, changes this amino acid to Proline residue, and creates a premature Stop codon at position 128 of the new reading frame, denoted p.Gln191ProfsTer128. This variant is predicted to cause loss of normal protein function through protein truncation. Loss of function variants in GUCY2D gene have been previously reported to be disease causing (Neubauer et al., 2022). For these reasons, this variant has been classified as Likely Pathogenic.